The following is an entry in ClinVar:

ClinVar aggregate classification (germline): Conflicting classifications of pathogenicity. Review status: criteria provided, conflicting classifications (1 of 4 stars). 3 submissions from 3 submitters: Pathogenic (1); Uncertain significance (2). Last evaluated 2024-07-12.

Conditions:
Neurofibromatosis, type 1 (NF1). Also called: Peripheral type neurofibromatosis; VON RECKLINGHAUSEN DISEASE; NEUROFIBROMATOSIS, TYPE I, SOMATIC; Neurofibromatosis, type I. Identifiers: Orphanet 636, MedGen C0027831, MONDO:0018975, OMIM 162200. Disease mechanism: loss of function.

Submissions (3):

GeneDx
Classification: Uncertain significance. Last evaluated: 2024-07-12. Review status: criteria provided, single submitter. Criteria: GeneDx Variant Classification Process June 2021. Collection method: clinical testing. Allele origin: germline. Affected: yes.
Comment: Not observed at significant frequency in large population cohorts (gnomAD); In silico analysis supports that this missense variant has a deleterious effect on protein structure/function; Has not been previously published as pathogenic or benign to our knowledge; This variant is associated with the following publications: (PMID: 25486365, 22807134, 23656349, 26740943)

Labcorp Genetics (formerly Invitae), Labcorp
Classification: Pathogenic for Neurofibromatosis, type 1. Last evaluated: 2022-09-06. Review status: criteria provided, single submitter. Criteria: Invitae Variant Classification Sherloc (09022015). Collection method: clinical testing. Allele origin: germline.
Comment: This sequence change replaces methionine, which is neutral and non-polar, with lysine, which is basic and polar, at codon 1215 of the NF1 protein (p.Met1215Lys). For these reasons, this variant has been classified as Pathogenic. This variant disrupts the p.Met1215 amino acid residue in NF1. Other variant(s) that disrupt this residue have been determined to be pathogenic (PMID: 26740943). This suggests that this residue is clinically significant, and that variants that disrupt this residue are likely to be disease-causing. Advanced modeling of protein sequence and biophysical properties (such as structural, functional, and spatial information, amino acid conservation, physicochemical variation, residue mobility, and thermodynamic stability) performed at Invitae indicates that this missense variant is expected to disrupt NF1 protein function. This missense change has been observed in individual(s) with neurofibromatosis type 1 (Invitae). This variant is not present in population databases (gnomAD no frequency).

ARUP Laboratories, Molecular Genetics and Genomics, ARUP Laboratories
Classification: Uncertain significance. Last evaluated: 2022-03-31. Review status: criteria provided, single submitter. Criteria: ARUP Molecular Germline Variant Investigation Process 2021. Collection method: clinical testing. Allele origin: germline.
Comment: The NF1 c.3644T>A; p.Met1215Lys variant, to our knowledge, is not reported in the medical literature, but is reported in an NF1 specific database as occurring de novo in at least one individual (see link below). This variant is also absent from the Genome Aggregation Database, indicating it is not a common polymorphism. The methionine at codon 1215 is moderately conserved, and computational analyses predict that this variant is deleterious (REVEL: 0.945). Another variant in the same codon, c.3644T>G; p.Met1215Arg, is reported as occurring de novo in several individuals and is considered pathogenic (see link below, Bianchessi 2015). Additionally, other variants occurring in this codon have been reported in affected individuals (ClinVar Variation IDs: 547631, 1040466). However, given the lack of clinical and functional data, the significance of the p.Met1215Lys variant is uncertain at this time. References: Link to NF1 database: Bianchessi D et al. 126 novel mutations in Italian patients with neurofibromatosis type 1. Mol Genet Genomic Med. 2015 Jul 7;3(6):513-25. PMID: 26740943.

Literature cited by the submitters: PubMed 26740943 (cited by Labcorp Genetics (formerly Invitae), Labcorp).

NM_001042492.3(NF1):c.3644T>A (p.Met1215Lys)

Gene: NF1 (neurofibromin 1; plus strand). Cytogenetic location: 17q11.2.
Variant type: single nucleotide variant.
Coding change: c.3644T>A on transcript NM_001042492.3 (MANE Select); coding-DNA position 3644, T replaced by A.
Protein change: p.Met1215Lys; replaces methionine 1215 with lysine.
Molecular consequence: missense variant.
Genome position (GRCh38, 1-based): chr17:31,233,149, T>A. VCF-style: chr17-31233149-T-A. GRCh37 (hg19) VCF-style: chr17-29560167-T-A.
Other names: c.3644T>A, p.Met1215Lys (NM_000267.4); short protein forms M1215K.
Identifiers: ClinVar variation 2137980 (VCV002137980.8), dbSNP rs1555615071, ClinGen allele CA398990425.